The following is an entry in ClinVar:

ClinVar aggregate classification (germline): Likely benign (1 of 4 stars; one submission).

Conditions:
SEMA3A-related disorder. Also called: SEMA3A-related condition.

Submission:

PreventionGenetics, part of Exact Sciences
Classification: Likely benign for SEMA3A-related condition. Last evaluated: 2026-05-28. Review status: criteria provided, single submitter. Criteria: ACMG Guidelines, 2015. Collection method: clinical testing. Allele origin: germline.
Comment: This variant is classified as likely benign based on ACMG/AMP sequence variant interpretation guidelines (Richards et al. 2015 PMID: 25741868, with internal and published modifications).

NM_006080.3(SEMA3A):c.138C>T (p.Ile46=)

Gene: SEMA3A (semaphorin 3A; minus strand). Cytogenetic location: 7q21.11.
Variant type: single nucleotide variant.
Coding change: c.138C>T on transcript NM_006080.3 (MANE Select); coding-DNA position 138, C replaced by T.
Protein change: p.Ile46=; no amino-acid change (isoleucine 46 retained).
Molecular consequence: synonymous variant.
Genome position (GRCh38, 1-based): chr7:84,134,926, G>A on the plus strand (C>T on the coding strand, the complement: SEMA3A is on the minus strand). VCF-style: chr7-84134926-G-A. GRCh37 (hg19) VCF-style: chr7-83764242-G-A.
Identifiers: ClinVar variation 5000751 (VCV005000751.1).